The following is an entry in ClinVar:

ClinVar aggregate classification (germline): Uncertain significance (1 of 4 stars; one submission).

Submission:

GeneDx
Classification: Uncertain significance. Last evaluated: 2026-01-28. Review status: criteria provided, single submitter. Criteria: GeneDx Variant Classification Process June 2021. Collection method: clinical testing. Allele origin: germline. Affected: yes.
Comment: Not observed at significant frequency in large population cohorts (gnomAD); In silico analysis suggests that this missense variant does not alter protein structure/function; Has not been previously published as pathogenic or benign to our knowledge

NM_018896.5(CACNA1G):c.2212A>G (p.Lys738Glu)

Gene: CACNA1G (calcium voltage-gated channel subunit alpha1 G; plus strand). Cytogenetic location: 17q21.33.
Variant type: single nucleotide variant.
Coding change: c.2212A>G on transcript NM_018896.5 (MANE Select); coding-DNA position 2212, A replaced by G.
Protein change: p.Lys738Glu; replaces lysine 738 with glutamic acid.
Molecular consequence: missense variant. On other transcripts: non-coding transcript variant (5).
Genome position (GRCh38, 1-based): chr17:50,578,475, A>G. VCF-style: chr17-50578475-A-G. GRCh37 (hg19) VCF-style: chr17-48655836-A-G.
Other names: c.2212A>G, p.Lys738Glu (NM_001256324.2, NM_001256325.2, NM_001256326.2 and 24 more transcripts); short protein forms K738E.
Identifiers: ClinVar variation 1314577 (VCV001314577.4), dbSNP rs2144993853, ClinGen allele CA400243137.
Genomic context (GRCh38, chr17:50,578,475, plus strand): 5'-CCAGATGCAGAGCCCAGCTCTGTGCTGGCCTTCTGGAGGCTAATCTGTGACACCTTCCGA[A>G]AGATTGTGGACAGCAAGTACTTTGGCCGGGGAATCATGATCGCCATCCTGGTCAACACAC-3'
Protein context (NP_061496.2, residues 728-748): FWRLICDTFR[Lys738Glu]IVDSKYFGRG